The following is an entry in ClinVar:

NM_004795.4(KL):c.2905G>A (p.Val969Met)

Gene: KL (klotho; plus strand). Cytogenetic location: 13q13.1.
Variant type: single nucleotide variant.
Coding change: c.2905G>A on transcript NM_004795.4 (MANE Select); coding-DNA position 2905, G replaced by A.
Protein change: p.Val969Met; replaces valine 969 with methionine.
Molecular consequence: missense variant.
Genome position (GRCh38, 1-based): chr13:33,064,052, G>A. VCF-style: chr13-33064052-G-A. GRCh37 (hg19) VCF-style: chr13-33638189-G-A.
Other names: short protein forms V969M.
Identifiers: ClinVar variation 2904303 (VCV002904303.3), dbSNP rs763611163, ClinGen allele CA6944411.

ClinVar aggregate classification (germline): Uncertain significance (1 of 4 stars; one submission).

Allele frequency attached by ClinVar (database versions not stated): gnomAD 0.00001; gnomAD exomes 0.00001; TOPMed 0.00001; ExAC 0.00002.

Submission:

Labcorp Genetics (formerly Invitae), Labcorp
Classification: Uncertain significance. Last evaluated: 2023-10-04. Review status: criteria provided, single submitter. Criteria: Invitae Variant Classification Sherloc (09022015). Collection method: clinical testing. Allele origin: germline.
Comment: This sequence change replaces valine, which is neutral and non-polar, with methionine, which is neutral and non-polar, at codon 969 of the KL protein (p.Val969Met). This variant is present in population databases (rs763611163, gnomAD 0.003%). This variant has not been reported in the literature in individuals affected with KL-related conditions. Advanced modeling of protein sequence and biophysical properties (such as structural, functional, and spatial information, amino acid conservation, physicochemical variation, residue mobility, and thermodynamic stability) performed at Invitae indicates that this missense variant is not expected to disrupt KL protein function. In summary, the available evidence is currently insufficient to determine the role of this variant in disease. Therefore, it has been classified as a Variant of Uncertain Significance.